The following is an entry in ClinVar:

ClinVar aggregate classification (germline): Conflicting classifications of pathogenicity. Review status: criteria provided, conflicting classifications (1 of 4 stars). 7 submissions from 7 submitters: Uncertain significance (1); Likely benign (3). 3 of the submissions do not count toward it. Last evaluated 2026-02-01.

Conditions:
CEP164-related disorder. Also called: CEP164-related condition.
Nephronophthisis 15 (NPHP15). Identifiers: Orphanet 3156, MedGen C3541853, MONDO:0013917, OMIM 614845.

Allele frequency attached by ClinVar (database versions not stated): 1000 Genomes Project 30x 0.00016; 1000 Genomes Project 0.00020; TOPMed 0.00053.
gnomAD v4.1: 1,281 of 1,581,124 alleles (0.081%); highest among the groups gnomAD compares: Non-Finnish European, 0.1%; 2 homozygotes.

Submissions (7):

Labcorp Genetics (formerly Invitae), Labcorp
Classification: Likely benign for Nephronophthisis 15. Last evaluated: 2026-02-01. Review status: criteria provided, single submitter. Criteria: Invitae Variant Classification Sherloc (09022015). Collection method: clinical testing. Allele origin: germline.

Blueprint Genetics
Classification: Likely benign. Last evaluated: 2024-09-24. Review status: criteria provided, single submitter. Criteria: ACMG Guidelines, 2015. Collection method: clinical testing. Allele origin: germline.

Revvity Omics, Revvity
Classification: Uncertain significance for Nephronophthisis 15. Last evaluated: 2023-01-09. Review status: criteria provided, single submitter. Criteria: ACMG Guidelines, 2015. Collection method: clinical testing. Allele origin: germline.

Fulgent Genetics
Classification: Likely benign for Nephronophthisis 15. Last evaluated: 2021-10-05. Review status: criteria provided, single submitter. Criteria: ACMG Guidelines, 2015. Collection method: clinical testing. Allele origin: unknown.

PreventionGenetics, part of Exact Sciences
Classification: Likely benign for CEP164-related condition. Last evaluated: 2024-08-06. Review status: no assertion criteria provided. Collection method: clinical testing. Allele origin: germline. Not counted in ClinVar's aggregate classification.
Comment: This variant is classified as likely benign based on ACMG/AMP sequence variant interpretation guidelines (Richards et al. 2015 PMID: 25741868, with internal and published modifications).

Clinical Genetics DNA and cytogenetics Diagnostics Lab, Erasmus MC, Erasmus Medical Center
Classification: Likely benign. Review status: no assertion criteria provided. Collection method: clinical testing. Allele origin: germline. Affected: yes. Study: VKGL Data-share Consensus. Not counted in ClinVar's aggregate classification.

Genome Diagnostics Laboratory, University Medical Center Utrecht
Classification: Likely benign. Review status: no assertion criteria provided. Collection method: clinical testing. Allele origin: germline. Affected: yes. Study: VKGL Data-share Consensus. Not counted in ClinVar's aggregate classification.

NM_014956.5(CEP164):c.380C>T (p.Pro127Leu)

Gene: CEP164 (centrosomal protein 164; plus strand). Cytogenetic location: 11q23.3.
Variant type: single nucleotide variant.
Coding change: c.380C>T on transcript NM_014956.5 (MANE Select); coding-DNA position 380, C replaced by T.
Protein change: p.Pro127Leu; replaces proline 127 with leucine.
Molecular consequence: missense variant.
Genome position (GRCh38, 1-based): chr11:117,351,975, C>T. VCF-style: chr11-117351975-C-T. GRCh37 (hg19) VCF-style: chr11-117222691-C-T.
Other names: c.380C>T, p.Pro127Leu (NM_001271933.2); short protein forms P127L.
Identifiers: ClinVar variation 772097 (VCV000772097.18), dbSNP rs143659874, ClinGen allele CA6294413.